The following is an entry in ClinVar:

ClinVar aggregate classification (germline): Uncertain significance. Review status: criteria provided, multiple submitters, no conflicts (2 of 4 stars). 2 submissions from 2 submitters: Uncertain significance (2). Last evaluated 2024-03-06.

Conditions:
Hypertrophic cardiomyopathy. Also called: HYPERTROPHIC MYOCARDIOPATHY. Identifiers: Orphanet 217569, MedGen C0007194, MeSH D002312, MONDO:0005045, HP:0001639.
Cardiomyopathy (CMYO). Also called: Cardiomyopathies. Identifiers: Orphanet 167848, MedGen C0878544, MONDO:0004994, HP:0001638. Inheritance: Various modes of inheritance.

Submissions (2):

Color Diagnostics, LLC DBA Color Health
Classification: Uncertain significance for Cardiomyopathy. Last evaluated: 2024-03-06. Review status: criteria provided, single submitter. Criteria: ACMG Guidelines, 2015. Collection method: clinical testing. Allele origin: germline.
Comment: This missense variant replaces glycine with glutamic acid at codon 148 of the MYBPC3 protein. Computational prediction suggests that this variant may not impact protein structure and function. To our knowledge, functional studies have not been reported for this variant. This variant has not been reported in individuals affected with MYBPC3-related disorders in the literature. This variant has not been identified in the general population by the Genome Aggregation Database (gnomAD). The available evidence is insufficient to determine the role of this variant in disease conclusively. Therefore, this variant is classified as a Variant of Uncertain Significance.

All of Us Research Program, National Institutes of Health
Classification: Uncertain significance for Hypertrophic cardiomyopathy. Last evaluated: 2023-11-30. Review status: criteria provided, single submitter. Criteria: ACMG Guidelines, 2015. Collection method: clinical testing. Allele origin: germline. Inheritance: Autosomal dominant inheritance. Observed: 2 variant alleles, 2 heterozygotes.
Comment: This missense variant replaces glycine with glutamic acid at codon 148 of the MYBPC3 protein. Computational prediction suggests that this variant may not impact protein structure and function (internally defined REVEL score threshold <= 0.5, PMID: 27666373). To our knowledge, functional studies have not been reported for this variant. This variant has not been reported in individuals affected with MYBPC3-related disorders in the literature. This variant has not been identified in the general population by the Genome Aggregation Database (gnomAD). The available evidence is insufficient to determine the role of this variant in disease conclusively. Therefore, this variant is classified as a Variant of Uncertain Significance.

This study involves interpretation of variants in research participants for the purpose of population health screening. Participant phenotype was not available at the time of variant classification. Additional details can be found in publication PMID: 35346344, PMCID: PMC8962531

NM_000256.3(MYBPC3):c.443G>A (p.Gly148Glu)

Gene: MYBPC3 (myosin binding protein C3; minus strand). Cytogenetic location: 11p11.2.
Variant type: single nucleotide variant.
Coding change: c.443G>A on transcript NM_000256.3 (MANE Select); coding-DNA position 443, G replaced by A.
Protein change: p.Gly148Glu; replaces glycine 148 with glutamic acid.
Molecular consequence: missense variant.
Genome position (GRCh38, 1-based): chr11:47,350,076, C>T on the plus strand (G>A on the coding strand, the complement: MYBPC3 is on the minus strand). VCF-style: chr11-47350076-C-T. GRCh37 (hg19) VCF-style: chr11-47371627-C-T.
Other names: short protein forms G148E.
Identifiers: ClinVar variation 3070991 (VCV003070991.2), dbSNP rs2495781911, ClinGen allele CA380338814.